The following is an entry in ClinVar:

NM_016213.5(TRIP4):c.827+1G>T

Gene: TRIP4 (thyroid hormone receptor interactor 4; plus strand). Cytogenetic location: 15q22.31.
Variant type: single nucleotide variant.
Coding change: c.827+1G>T on transcript NM_016213.5 (MANE Select); the canonical splice donor site of the intron after coding-DNA position 827, G replaced by T.
Molecular consequence: splice donor variant.
Genome position (GRCh38, 1-based): chr15:64,406,460, G>T. VCF-style: chr15-64406460-G-T. GRCh37 (hg19) VCF-style: chr15-64698659-G-T.
Other names: c.137+1G>T (NM_001321924.2).
Identifiers: ClinVar variation 2778895 (VCV002778895.3), dbSNP rs2505427987, ClinGen allele CA392821013.

ClinVar aggregate classification (germline): Likely pathogenic (1 of 4 stars; one submission).

Submission:

Labcorp Genetics (formerly Invitae), Labcorp
Classification: Likely pathogenic. Last evaluated: 2023-09-18. Review status: criteria provided, single submitter. Criteria: Invitae Variant Classification Sherloc (09022015). Collection method: clinical testing. Allele origin: germline.
Comment: In summary, the currently available evidence indicates that the variant is pathogenic, but additional data are needed to prove that conclusively. Therefore, this variant has been classified as Likely Pathogenic. Algorithms developed to predict the effect of sequence changes on RNA splicing suggest that this variant may disrupt the consensus splice site. This variant has not been reported in the literature in individuals affected with TRIP4-related conditions. This variant is not present in population databases (gnomAD no frequency). This sequence change affects a donor splice site in intron 6 of the TRIP4 gene. It is expected to disrupt RNA splicing. Variants that disrupt the donor or acceptor splice site typically lead to a loss of protein function (PMID: 16199547), and loss-of-function variants in TRIP4 are known to be pathogenic (PMID: 26924529, 27008887).

Literature cited by the submitters: PubMed 16199547; PubMed 26924529; PubMed 27008887.